The following is an entry in ClinVar:

ClinVar aggregate classification (germline): Uncertain significance (1 of 4 stars; one submission).

Submission:

Labcorp Genetics (formerly Invitae), Labcorp
Classification: Uncertain significance. Last evaluated: 2021-05-18. Review status: criteria provided, single submitter. Criteria: Invitae Variant Classification Sherloc (09022015). Collection method: clinical testing. Allele origin: germline.
Comment: In summary, the available evidence is currently insufficient to determine the role of this variant in disease. Therefore, it has been classified as a Variant of Uncertain Significance. This variant has not been reported in the literature in individuals with SCARB1-related conditions. This variant is not present in population databases (ExAC no frequency). This sequence change creates a premature translational stop signal (p.Gln445*) in the SCARB1 gene. It is expected to result in an absent or disrupted protein product. However, the current clinical and genetic evidence is not sufficient to establish whether loss-of-function variants in SCARB1 cause disease.

NM_005505.5(SCARB1):c.1333C>T (p.Gln445Ter)

Gene: SCARB1 (scavenger receptor class B member 1; minus strand). Cytogenetic location: 12q24.31.
Variant type: single nucleotide variant.
Coding change: c.1333C>T on transcript NM_005505.5 (MANE Select); coding-DNA position 1333, C replaced by T.
Protein change: p.Gln445Ter; replaces glutamine 445 with a stop codon.
Molecular consequence: nonsense. On other transcripts: non-coding transcript variant (9), intron variant (1).
Genome position (GRCh38, 1-based): chr12:124,786,425, G>A on the plus strand (C>T on the coding strand, the complement: SCARB1 is on the minus strand). VCF-style: chr12-124786425-G-A. GRCh37 (hg19) VCF-style: chr12-125270971-G-A.
Other names: c.1333C>T, p.Gln445Ter (NM_001082959.2, NM_001367981.1, NM_001367984.1 and 1 more transcripts); c.1210C>T, p.Gln404Ter (NM_001367982.1); c.1339C>T, p.Gln447Ter (NM_001367983.1); c.1309C>T, p.Gln437Ter (NM_001367985.1); c.1135C>T, p.Gln379Ter (NM_001367987.1); c.931C>T, p.Gln311Ter (NM_001367988.1); c.1317+16C>T (NM_001367986.1); short protein forms Q379*, Q437*, Q404*, Q311*, Q445*, Q447*.
Identifiers: ClinVar variation 1471665 (VCV001471665.6), dbSNP rs2135540455, ClinGen allele CA387210586.